The following is an entry in ClinVar:

NM_000747.3(CHRNB1):c.-13G>C

Gene: CHRNB1 (cholinergic receptor nicotinic beta 1 subunit; plus strand). Cytogenetic location: 17p13.1.
Variant type: single nucleotide variant.
Coding change: c.-13G>C on transcript NM_000747.3 (MANE Select); 13 bases upstream of the start codon, G replaced by C.
Molecular consequence: 5 prime UTR variant.
Genome position (GRCh38, 1-based): chr17:7,445,115, G>C. VCF-style: chr17-7445115-G-C. GRCh37 (hg19) VCF-style: chr17-7348434-G-C.
Identifiers: ClinVar variation 325073 (VCV000325073.8), dbSNP rs199903026, ClinGen allele CA8347589.

ClinVar aggregate classification (germline): Likely benign. Review status: criteria provided, multiple submitters, no conflicts (2 of 4 stars). 4 submissions from 4 submitters: Likely benign (3). 1 of the submissions does not count toward it. Last evaluated 2024-09-13.

Conditions:
CHRNB1-related disorder. Also called: CHRNB1-related condition.
Congenital myasthenic syndrome 4C (CMS4C). Also called: Myasthenic syndrome, congenital, associated with acetylcholine receptor deficiency. Identifiers: Orphanet 590, MedGen C1837091, MONDO:0012157, OMIM 608931.

Allele frequency attached by ClinVar (database versions not stated): ESP Exome Variant Server 0.00183; gnomAD 0.00264 and 0.00278; TOPMed 0.00286; 1000 Genomes Project 30x 0.00328; 1000 Genomes Project 0.00379.
gnomAD v4.1: 817 of 1,606,214 alleles (0.051%); highest among the groups gnomAD compares: African/African-American, 0.91%; 4 homozygotes.

Submissions (4):

Blueprint Genetics
Classification: Likely benign. Last evaluated: 2024-09-13. Review status: criteria provided, single submitter. Criteria: ACMG Guidelines, 2015. Collection method: clinical testing. Allele origin: germline.

Illumina Laboratory Services, Illumina
Classification: Likely benign for Congenital myasthenic syndrome 4C. Last evaluated: 2018-01-12. Review status: criteria provided, single submitter. Criteria: ICSL Variant Classification Criteria 13 December 2019. Collection method: clinical testing. Allele origin: germline.
Comment: This variant was observed in the ICSL laboratory as part of a predisposition screen in an ostensibly healthy population. It had not been previously curated by ICSL or reported in the Human Gene Mutation Database (HGMD: prior to June 1st, 2018), and was therefore a candidate for classification through an automated scoring system. Utilizing variant allele frequency, disease prevalence and penetrance estimates, and inheritance mode, an automated score was calculated to assess if this variant is too frequent to cause the disease. Based on the score and internal cut-off values, a variant classified as likely benign is not then subjected to further curation. The score for this variant resulted in a classification of likely benign for this disease.

GeneDx
Classification: Likely benign. Last evaluated: 2016-11-10. Review status: criteria provided, single submitter. Criteria: GeneDx Variant Classification (06012015). Collection method: clinical testing. Allele origin: germline. Affected: yes.
Comment: This variant is considered likely benign or benign based on one or more of the following criteria: it is a conservative change, it occurs at a poorly conserved position in the protein, it is predicted to be benign by multiple in silico algorithms, and/or has population frequency not consistent with disease.

PreventionGenetics, part of Exact Sciences
Classification: Benign for CHRNB1-related condition. Last evaluated: 2020-03-03. Review status: no assertion criteria provided. Collection method: clinical testing. Allele origin: germline. Not counted in ClinVar's aggregate classification.
Comment: This variant is classified as benign based on ACMG/AMP sequence variant interpretation guidelines (Richards et al. 2015 PMID: 25741868, with internal and published modifications).